The following is an entry in ClinVar:

ClinVar aggregate classification (germline): Likely benign (0 of 4 stars; one submission).

Conditions:
SFTPA1-related disorder. Also called: SFTPA1-related condition.

Allele frequency attached by ClinVar (database versions not stated): gnomAD exomes 0.00001; ExAC 0.00004; gnomAD 0.00010; TOPMed 0.00012.
gnomAD v4.1: 38 of 1,556,668 alleles (0.0024%); highest among the groups gnomAD compares: African/African-American, 0.046%; no homozygotes.

Submission:

PreventionGenetics, part of Exact Sciences
Classification: Likely benign for SFTPA1-related condition. Last evaluated: 2019-08-22. Review status: no assertion criteria provided. Collection method: clinical testing. Allele origin: germline.
Comment: This variant is classified as likely benign based on ACMG/AMP sequence variant interpretation guidelines (Richards et al. 2015 PMID: 25741868, with internal and published modifications).

NM_005411.5(SFTPA1):c.-23-156G>A

Gene: SFTPA1 (surfactant protein A1; plus strand). Cytogenetic location: 10q22.3.
Variant type: single nucleotide variant.
Coding change: c.-23-156G>A on transcript NM_005411.5 (MANE Select); 156 bases into the intron before 23 bases upstream of the start codon, G replaced by A.
Molecular consequence: intron variant.
Genome position (GRCh38, 1-based): chr10:79,611,647, G>A. VCF-style: chr10-79611647-G-A. GRCh37 (hg19) VCF-style: chr10-81371403-G-A.
Other names: c.-23-156G>A (NM_001164646.2, NM_001164644.2, NM_001164647.1); c.22+6G>A (NM_001164645.2, NM_001093770.3).
Identifiers: ClinVar variation 3053677 (VCV003053677.2), dbSNP rs758042970, ClinGen allele CA5574301.